The following is an entry in ClinVar:

ClinVar aggregate classification (germline): Benign. Review status: criteria provided, single submitter (1 of 4 stars). 2 submissions from 2 submitters: Benign (1). 1 of the submissions does not count toward it. Last evaluated 2026-02-02.

Conditions:
MAD2L2-related disorder. Also called: MAD2L2-related condition.

Allele frequency attached by ClinVar (database versions not stated): gnomAD 0.01206 and 0.01285; 1000 Genomes Project 0.01558; gnomAD exomes 0.00311; TOPMed 0.01411; ExAC 0.00368; ESP Exome Variant Server 0.01338; 1000 Genomes Project 30x 0.01686.
gnomAD v4.1: 3,636 of 1,613,058 alleles (0.23%); highest among the groups gnomAD compares: African/African-American, 4.1%; 62 homozygotes.

Submissions (2):

Labcorp Genetics (formerly Invitae), Labcorp
Classification: Benign. Last evaluated: 2026-02-02. Review status: criteria provided, single submitter. Criteria: Invitae Variant Classification Sherloc (09022015). Collection method: clinical testing. Allele origin: germline.

PreventionGenetics, part of Exact Sciences
Classification: Benign for MAD2L2-related condition. Last evaluated: 2019-07-01. Review status: no assertion criteria provided. Collection method: clinical testing. Allele origin: germline. Not counted in ClinVar's aggregate classification.
Comment: This variant is classified as benign based on ACMG/AMP sequence variant interpretation guidelines (Richards et al. 2015 PMID: 25741868, with internal and published modifications).

NM_006341.4(MAD2L2):c.399C>T (p.Cys133=)

Gene: MAD2L2 (mitotic arrest deficient 2 like 2; minus strand). Cytogenetic location: 1p36.22.
Variant type: single nucleotide variant.
Coding change: c.399C>T on transcript NM_006341.4 (MANE Select); coding-DNA position 399, C replaced by T.
Protein change: p.Cys133=; no amino-acid change (cysteine 133 retained).
Molecular consequence: synonymous variant.
Genome position (GRCh38, 1-based): chr1:11,676,074, G>A on the plus strand (C>T on the coding strand, the complement: MAD2L2 is on the minus strand). VCF-style: chr1-11676074-G-A. GRCh37 (hg19) VCF-style: chr1-11736131-G-A.
Other names: c.399C>T, p.Cys133= (NM_001127325.2).
Identifiers: ClinVar variation 767652 (VCV000767652.11), dbSNP rs2233020, ClinGen allele CA593757.
Genomic context (GRCh38, chr1:11,676,074, plus strand): 5'-CCAAGGGAAGAGAGGGTGGGGAGTGGACACACCTGGGGGGTTGTGGTCCAGGACGGCATC[G>A]CACACGCTGATCTTCAGGATGAAGGCCCGGAGCAGCTGCTCCACATGAGACAACAGCGAG-3'
Protein context (NP_006332.3, residues 123-143): LRAFILKISV[Cys133=]DAVLDHNPPG